The following is an entry in ClinVar:

NM_005732.4(RAD50):c.1166G>A (p.Ser389Asn)

Gene: RAD50 (RAD50 double strand break repair protein; plus strand). Cytogenetic location: 5q31.1.
Variant type: single nucleotide variant.
Coding change: c.1166G>A on transcript NM_005732.4 (MANE Select); coding-DNA position 1166, G replaced by A.
Protein change: p.Ser389Asn; replaces serine 389 with asparagine.
Molecular consequence: missense variant.
Genome position (GRCh38, 1-based): chr5:132,588,801, G>A. VCF-style: chr5-132588801-G-A. GRCh37 (hg19) VCF-style: chr5-131924493-G-A.
Other names: short protein forms S389N.
Identifiers: ClinVar variation 841598 (VCV000841598.10), dbSNP rs1193573653, ClinGen allele CA360942744.
Genomic context (GRCh38, chr5:132,588,801, plus strand): 5'-CATTAATTCAGTCTTTGGCAACACAGCTAGAATTGGATGGCTTTGAGCGTGGACCATTCA[G>A]TGAAAGACAGATTAAAAATTTTCACAAACTTGTGAGAGAGAGACAAGAAGGGGAAGCAAA-3'
Protein context (NP_005723.2, residues 379-399): ELDGFERGPF[Ser389Asn]ERQIKNFHKL

ClinVar aggregate classification (germline): Conflicting classifications of pathogenicity. Review status: criteria provided, conflicting classifications (1 of 4 stars). 2 submissions from 2 submitters: Uncertain significance (1); Likely benign (1). Last evaluated 2022-07-25.

Conditions:
Hereditary cancer-predisposing syndrome. Also called: Hereditary Cancer Syndrome; Hereditary neoplastic syndrome; Tumor predisposition; Neoplastic Syndromes, Hereditary. Identifiers: Orphanet 140162, MedGen C0027672, MeSH D009386, MONDO:0015356.

Allele frequency attached by ClinVar (database versions not stated): gnomAD exomes below 0.00001; TOPMed below 0.00001; gnomAD 0.00001.

Submissions (2):

Ambry Genetics
Classification: Likely benign for Hereditary cancer-predisposing syndrome. Last evaluated: 2022-07-25. Review status: criteria provided, single submitter. Criteria: Ambry Variant Classification Scheme 2023. Collection method: clinical testing. Allele origin: germline.

Labcorp Genetics (formerly Invitae), Labcorp
Classification: Uncertain significance for Hereditary cancer-predisposing syndrome. Last evaluated: 2022-07-05. Review status: criteria provided, single submitter. Criteria: Invitae Variant Classification Sherloc (09022015). Collection method: clinical testing. Allele origin: germline.
Comment: This sequence change replaces serine, which is neutral and polar, with asparagine, which is neutral and polar, at codon 389 of the RAD50 protein (p.Ser389Asn). This variant is present in population databases (no rsID available, gnomAD 0.0009%). This variant has not been reported in the literature in individuals affected with RAD50-related conditions. ClinVar contains an entry for this variant (Variation ID: 841598). Algorithms developed to predict the effect of missense changes on protein structure and function output the following: SIFT: "Tolerated"; PolyPhen-2: "Benign"; Align-GVGD: "Class C0". The asparagine amino acid residue is found in multiple mammalian species, which suggests that this missense change does not adversely affect protein function. In summary, the available evidence is currently insufficient to determine the role of this variant in disease. Therefore, it has been classified as a Variant of Uncertain Significance.